The following is an entry in ClinVar:

NM_017934.7(PHIP):c.4572T>A (p.Ser1524=)

Genes: IRAK1BP1 (interleukin 1 receptor associated kinase 1 binding protein 1; plus strand), PHIP (PHIP subunit of CUL4-Ring ligase complex; minus strand). Cytogenetic location: 6q14.1.
Variant type: single nucleotide variant.
Coding change: c.4572T>A on transcript NM_017934.7 (MANE Select); coding-DNA position 4572, T replaced by A.
Protein change: p.Ser1524=; no amino-acid change (serine 1524 retained).
Molecular consequence: synonymous variant.
Genome position (GRCh38, 1-based): chr6:78,946,059, A>T on the plus strand (T>A on the coding strand, the complement: PHIP is on the minus strand). VCF-style: chr6-78946059-A-T. GRCh37 (hg19) VCF-style: chr6-79655776-A-T.
Identifiers: ClinVar variation 2904178 (VCV002904178.11), dbSNP rs764553734, ClinGen allele CA3899425.

ClinVar aggregate classification (germline): Benign/Likely benign. Review status: criteria provided, multiple submitters, no conflicts (2 of 4 stars). 2 submissions from 2 submitters: Benign (1); Likely benign (1). Last evaluated 2025-07-01.

Allele frequency attached by ClinVar (database versions not stated): ExAC 0.00001; gnomAD exomes 0.00001; gnomAD 0.00008; TOPMed 0.00009.
gnomAD v4.1: 21 of 1,612,518 alleles (0.0013%); highest among the groups gnomAD compares: African/African-American, 0.027%; no homozygotes.

Submissions (2):

CeGaT Center for Human Genetics Tuebingen
Classification: Likely benign. Last evaluated: 2025-07-01. Review status: criteria provided, single submitter. Criteria: CeGaT Center For Human Genetics Tuebingen Variant Classification Criteria Version 2. Collection method: clinical testing. Allele origin: germline. Affected: yes. Observed: 1 variant allele.
Comment: PHIP: BP4, BP7

Labcorp Genetics (formerly Invitae), Labcorp
Classification: Benign. Last evaluated: 2023-08-02. Review status: criteria provided, single submitter. Criteria: Invitae Variant Classification Sherloc (09022015). Collection method: clinical testing. Allele origin: germline.